The following is an entry in ClinVar:

NM_001165963.4(SCN1A):c.2416-35_2419dup

Gene: SCN1A (sodium voltage-gated channel alpha subunit 1; minus strand). Cytogenetic location: 2q24.3.
Variant type: Duplication.
Coding change: c.2416-35_2419dup on transcript NM_001165963.4 (MANE Select); 35 bases into the intron before coding-DNA position 2416 through coding-DNA position 2419, 39 bases duplicated.
Molecular consequence: splice acceptor variant.
Genome position (GRCh38, 1-based): chr2:166,039,593-166,039,631, 39 bases duplicated; duplicating any 39 consecutive bases within chr2:166,039,593-166,039,632 gives the same sequence; the c. name uses the placement nearest the transcript's 3' end. GRCh37 (hg19): chr2:166,896,104-166,896,142.
Other names: c.2383-35_2386dup (NM_001353949.2, NM_001353950.2, NM_001353951.2 and 2 more transcripts); c.2332-35_2335dup (NM_001353958.2, NM_001353957.2, NM_001165964.3); c.2416-35_2419dup (NM_001202435.3, NM_001353948.2); c.2380-35_2383dup (NM_001353955.2, NM_001353954.2); c.2329-35_2332dup (NM_001353960.2); c.-27-35_-24dup (NM_001353961.2).
Identifiers: ClinVar variation 1007140 (VCV001007140.11), dbSNP rs1696890186, ClinGen allele CA1304858220.

ClinVar aggregate classification (germline): Conflicting classifications of pathogenicity. Review status: criteria provided, conflicting classifications (1 of 4 stars). 2 submissions from 2 submitters: Pathogenic (1); Uncertain significance (1). Last evaluated 2026-08-14.

Conditions:
Early-infantile DEE. Also called: Ohtahara syndrome; Early infantile epileptic encephalopathy with suppression bursts; Early infantile epileptic encephalopathy. Identifiers: Orphanet 1934, MedGen C0393706, MONDO:0800491.

Submissions (2):

GeneDx
Classification: Pathogenic. Last evaluated: 2026-08-14. Review status: criteria provided, single submitter. Criteria: GeneDx Variant Classification Process June 2021. Collection method: clinical testing. Allele origin: germline.
Comment: Frameshift variant predicted to result in protein truncation or nonsense-mediated mRNA decay in a gene for which loss-of-function is a known mechanism of disease; Not observed at significant frequency in large population cohorts (gnomAD); Has not been previously published as pathogenic or benign to our knowledge

Labcorp Genetics (formerly Invitae), Labcorp
Classification: Uncertain significance for Early-infantile DEE. Last evaluated: 2025-08-30. Review status: criteria provided, single submitter. Criteria: Invitae Variant Classification Sherloc (09022015). Collection method: clinical testing. Allele origin: germline.
Comment: This sequence change falls in intron 13 of the SCN1A gene. It does not directly change the encoded amino acid sequence of the SCN1A protein. This variant is not present in population databases (gnomAD no frequency). This variant has not been reported in the literature in individuals affected with SCN1A-related conditions. ClinVar contains an entry for this variant (Variation ID: 1007140). In summary, the available evidence is currently insufficient to determine the role of this variant in disease. Therefore, it has been classified as a Variant of Uncertain Significance.